The following is an entry in ClinVar:

NM_198834.3(ACACA):c.494T>C (p.Ile165Thr)

Gene: ACACA (acetyl-CoA carboxylase alpha; minus strand). Cytogenetic location: 17q12.
Variant type: single nucleotide variant.
Coding change: c.494T>C on transcript NM_198834.3 (MANE Select); coding-DNA position 494, T replaced by C.
Protein change: p.Ile165Thr; replaces isoleucine 165 with threonine.
Molecular consequence: missense variant.
Genome position (GRCh38, 1-based): chr17:37,283,383, A>G on the plus strand (T>C on the coding strand, the complement: ACACA is on the minus strand). VCF-style: chr17-37283383-A-G. GRCh37 (hg19) VCF-style: chr17-35640284-A-G.
Other names: c.383T>C, p.Ile128Thr (NM_198836.3, NM_198839.3); c.209T>C, p.Ile70Thr (NM_198837.2); c.149T>C, p.Ile50Thr (NM_198838.2); short protein forms I70T, I165T, I128T, I50T.
Identifiers: ClinVar variation 2052519 (VCV002052519.4), dbSNP rs1295918798, ClinGen allele CA398757054.

ClinVar aggregate classification (germline): Uncertain significance (1 of 4 stars; one submission).

Allele frequency attached by ClinVar (database versions not stated): TOPMed below 0.00001; gnomAD 0.00001.
gnomAD v4.1: 1 of 1,614,054 alleles (0.000062%); highest among the groups gnomAD compares: Non-Finnish European, 0.000085%; no homozygotes.

Submission:

Labcorp Genetics (formerly Invitae), Labcorp
Classification: Uncertain significance. Last evaluated: 2022-08-31. Review status: criteria provided, single submitter. Criteria: Invitae Variant Classification Sherloc (09022015). Collection method: clinical testing. Allele origin: germline.
Comment: This variant is not present in population databases (gnomAD no frequency). This sequence change replaces isoleucine, which is neutral and non-polar, with threonine, which is neutral and polar, at codon 128 of the ACACA protein (p.Ile128Thr). In summary, the available evidence is currently insufficient to determine the role of this variant in disease. Therefore, it has been classified as a Variant of Uncertain Significance. Algorithms developed to predict the effect of missense changes on protein structure and function are either unavailable or do not agree on the potential impact of this missense change (SIFT: "Deleterious"; PolyPhen-2: "Probably Damaging"; Align-GVGD: "Class C0"). This variant has not been reported in the literature in individuals affected with ACACA-related conditions.